The following is an entry in ClinVar:

NM_152424.4(AMER1):c.820C>T (p.Pro274Ser)

Gene: AMER1 (APC membrane recruitment protein 1; minus strand). Cytogenetic location: Xq11.2.
Variant type: single nucleotide variant.
Coding change: c.820C>T on transcript NM_152424.4 (MANE Select); coding-DNA position 820, C replaced by T.
Protein change: p.Pro274Ser; replaces proline 274 with serine.
Molecular consequence: missense variant.
Genome position (GRCh38, 1-based): chrX:64,192,467, G>A on the plus strand (C>T on the coding strand, the complement: AMER1 is on the minus strand). VCF-style: chrX-64192467-G-A. GRCh37 (hg19) VCF-style: chrX-63412347-G-A.
Other names: short protein forms P274S.
Identifiers: ClinVar variation 4743006 (VCV004743006.1).

ClinVar aggregate classification (germline): Uncertain significance (1 of 4 stars; one submission).

gnomAD v4.1: 1 of 1,203,689 alleles (0.000083%); highest among the groups gnomAD compares: East Asian, 0.003%; no homozygotes.

Submission:

Labcorp Genetics (formerly Invitae), Labcorp
Classification: Uncertain significance. Last evaluated: 2025-12-28. Review status: criteria provided, single submitter. Criteria: Invitae Variant Classification Sherloc (09022015). Collection method: clinical testing. Allele origin: germline.
Comment: This sequence change replaces proline, which is neutral and non-polar, with serine, which is neutral and polar, at codon 274 of the AMER1 protein (p.Pro274Ser). The frequency data for this variant in the population databases is considered unreliable, as metrics indicate poor data quality at this position in the gnomAD database. This variant has not been reported in the literature in individuals affected with AMER1-related conditions. An algorithm developed to predict the effect of missense changes on protein structure and function outputs the following: PolyPhen-2: "Benign". The serine amino acid residue is found in multiple mammalian species, which suggests that this missense change does not adversely affect protein function. In summary, the available evidence is currently insufficient to determine the role of this variant in disease. Therefore, it has been classified as a Variant of Uncertain Significance.